The following is an entry in ClinVar:

ClinVar aggregate classification (germline): Uncertain significance (1 of 4 stars; one submission).

Conditions:
Ehlers-Danlos syndrome, classic type, 1 (EDSCL1). Also called: EHLERS-DANLOS SYNDROME, GRAVIS TYPE; EHLERS-DANLOS SYNDROME, SEVERE CLASSIC TYPE; Ehlers-Danlos syndrome, type 1; Ehlers-Danlos Syndrome, Classic Type, COL5A1-Related; EDS I. Identifiers: MedGen C0268335, MONDO:0019567, OMIM 130000.

Submission:

Labcorp Genetics (formerly Invitae), Labcorp
Classification: Uncertain significance for Ehlers-Danlos syndrome, classic type, 1. Last evaluated: 2026-01-09. Review status: criteria provided, single submitter. Criteria: Invitae Variant Classification Sherloc (09022015). Collection method: clinical testing. Allele origin: germline.
Comment: This sequence change replaces arginine, which is basic and polar, with glycine, which is neutral and non-polar, at codon 952 of the COL5A2 protein (p.Arg952Gly). This variant is not present in population databases (gnomAD no frequency). This variant has not been reported in the literature in individuals affected with COL5A2-related conditions. Invitae Evidence Modeling of protein sequence and biophysical properties (such as structural, functional, and spatial information, amino acid conservation, physicochemical variation, residue mobility, and thermodynamic stability) indicates that this missense variant is not expected to disrupt COL5A2 protein function with a negative predictive value of 80%. In summary, the available evidence is currently insufficient to determine the role of this variant in disease. Therefore, it has been classified as a Variant of Uncertain Significance.

NM_000393.5(COL5A2):c.2854C>G (p.Arg952Gly)

Gene: COL5A2 (collagen type V alpha 2 chain; minus strand). Cytogenetic location: 2q32.2.
Variant type: single nucleotide variant.
Coding change: c.2854C>G on transcript NM_000393.5 (MANE Select); coding-DNA position 2854, C replaced by G.
Protein change: p.Arg952Gly; replaces arginine 952 with glycine.
Molecular consequence: missense variant.
Genome position (GRCh38, 1-based): chr2:189,051,397, G>C on the plus strand (C>G on the coding strand, the complement: COL5A2 is on the minus strand). VCF-style: chr2-189051397-G-C. GRCh37 (hg19) VCF-style: chr2-189916123-G-C.
Other names: short protein forms R952G.
Identifiers: ClinVar variation 4742575 (VCV004742575.1).